The following is an entry in ClinVar:

ClinVar aggregate classification (germline): Uncertain significance (1 of 4 stars; one submission).

Conditions:
Hereditary sensory and autonomic neuropathy type 7. Also called: HSAN VII; Neuropathy, hereditary sensory and autonomic, type VII. Identifiers: Orphanet 391397, MedGen C3809882, MONDO:0014244, OMIM 615548.
Familial episodic pain syndrome with predominantly lower limb involvement. Also called: Episodic pain syndrome, familial, 3. Identifiers: Orphanet 391384, Orphanet 391392, MedGen C3809899, MONDO:0014247, OMIM 615552.

gnomAD v4.1: 2 of 1,614,042 alleles (0.00012%); highest among the groups gnomAD compares: Non-Finnish European, 0.000085%; no homozygotes.

Submission:

Labcorp Genetics (formerly Invitae), Labcorp
Classification: Uncertain significance for Episodic pain syndrome, familial, 3; Neuropathy, hereditary sensory and autonomic, type VII. Last evaluated: 2019-01-14. Review status: criteria provided, single submitter. Criteria: Invitae Variant Classification Sherloc (09022015). Collection method: clinical testing. Allele origin: germline.
Comment: This sequence change replaces serine with cysteine at codon 40 of the SCN11A protein (p.Ser40Cys). The serine residue is moderately conserved and there is a moderate physicochemical difference between serine and cysteine. This variant is not present in population databases (ExAC no frequency). This variant has not been reported in the literature in individuals with SCN11A-related conditions. Algorithms developed to predict the effect of missense changes on protein structure and function output the following: SIFT: "Deleterious"; PolyPhen-2: "Benign"; Align-GVGD: "Class C0". The cysteine amino acid residue is found in multiple mammalian species, suggesting that this missense change does not adversely affect protein function. These predictions have not been confirmed by published functional studies and their clinical significance is uncertain. In summary, the available evidence is currently insufficient to determine the role of this variant in disease. Therefore, it has been classified as a Variant of Uncertain Significance.

NM_001349253.2(SCN11A):c.119C>G (p.Ser40Cys)

Gene: SCN11A (sodium voltage-gated channel alpha subunit 11; minus strand). Cytogenetic location: 3p22.2.
Variant type: single nucleotide variant.
Coding change: c.119C>G on transcript NM_001349253.2 (MANE Select); coding-DNA position 119, C replaced by G.
Protein change: p.Ser40Cys; replaces serine 40 with cysteine.
Molecular consequence: missense variant.
Genome position (GRCh38, 1-based): chr3:38,950,244, G>C on the plus strand (C>G on the coding strand, the complement: SCN11A is on the minus strand). VCF-style: chr3-38950244-G-C. GRCh37 (hg19) VCF-style: chr3-38991735-G-C.
Other names: c.119C>G, p.Ser40Cys (NM_014139.3); short protein forms S40C.
Identifiers: ClinVar variation 854026 (VCV000854026.1), dbSNP rs1224321638, ClinGen allele CA352176763.